The following is an entry in ClinVar:

ClinVar aggregate classification (germline): Uncertain significance. Review status: criteria provided, multiple submitters, no conflicts (2 of 4 stars). 2 submissions from 2 submitters: Uncertain significance (2). Last evaluated 2023-11-02.

Conditions:
Hereditary pheochromocytoma and paraganglioma. Also called: Hereditary pheochromocytoma-paraganglioma; Hereditary Paraganglioma-Pheochromocytoma Syndromes; Hereditary paragangliomas and pheochromocytomas. Identifiers: Orphanet 29072, MedGen C4274332, MONDO:0017366.
Hereditary cancer-predisposing syndrome. Also called: Hereditary neoplastic syndrome; Hereditary Cancer Syndrome; Tumor predisposition; Neoplastic Syndromes, Hereditary. Identifiers: Orphanet 140162, MedGen C0027672, MeSH D009386, MONDO:0015356.

Allele frequency attached by ClinVar (database versions not stated): gnomAD 0.00001.

Submissions (2):

Ambry Genetics
Classification: Uncertain significance for Hereditary cancer-predisposing syndrome. Last evaluated: 2023-11-02. Review status: criteria provided, single submitter. Criteria: Ambry Variant Classification Scheme 2023. Collection method: clinical testing. Allele origin: germline.
Comment: The p.M13V variant (also known as c.37A>G) is located in coding exon 2 of the SDHAF2 gene. The methionine at codon 13 is replaced by valine, an amino acid with highly similar properties. This change occurs in the first base pair of coding exon 2. This amino acid position is conserved. In addition, this alteration is predicted to be tolerated by in silico analysis. Since supporting evidence is limited at this time, the clinical significance of this alteration remains unclear.

Labcorp Genetics (formerly Invitae), Labcorp
Classification: Uncertain significance for Hereditary pheochromocytoma and paraganglioma. Last evaluated: 2020-03-29. Review status: criteria provided, single submitter. Criteria: Invitae Variant Classification Sherloc (09022015). Collection method: clinical testing. Allele origin: germline.
Comment: In summary, the available evidence is currently insufficient to determine the role of this variant in disease. Therefore, it has been classified as a Variant of Uncertain Significance. Algorithms developed to predict the effect of sequence changes on RNA splicing suggest that this variant may create or strengthen a splice site, but this prediction has not been confirmed by published transcriptional studies. Algorithms developed to predict the effect of missense changes on protein structure and function output the following: SIFT: "Tolerated"; PolyPhen-2: "Benign"; Align-GVGD: "Class C0". The valine amino acid residue is found in multiple mammalian species, suggesting that this missense change does not adversely affect protein function. These predictions have not been confirmed by published functional studies and their clinical significance is uncertain. This variant has not been reported in the literature in individuals with SDHAF2-related conditions. This variant is not present in population databases (ExAC no frequency). This sequence change replaces methionine with valine at codon 13 of the SDHAF2 protein (p.Met13Val). The methionine residue is weakly conserved and there is a small physicochemical difference between methionine and valine.

NM_017841.4(SDHAF2):c.37A>G (p.Met13Val)

Gene: SDHAF2 (succinate dehydrogenase complex assembly factor 2; plus strand). Cytogenetic location: 11q12.2.
Variant type: single nucleotide variant.
Coding change: c.37A>G on transcript NM_017841.4 (MANE Select); coding-DNA position 37, A replaced by G.
Protein change: p.Met13Val; replaces methionine 13 with valine.
Molecular consequence: missense variant.
Genome position (GRCh38, 1-based): chr11:61,437,625, A>G. VCF-style: chr11-61437625-A-G. GRCh37 (hg19) VCF-style: chr11-61205097-A-G.
Other names: short protein forms M13V.
Identifiers: ClinVar variation 955291 (VCV000955291.10), dbSNP rs1361460244, ClinGen allele CA380682714.